The following is an entry in ClinVar:

ClinVar aggregate classification (germline): Likely benign (1 of 4 stars; one submission).

Allele frequency attached by ClinVar (database versions not stated): TOPMed 0.00002; ESP Exome Variant Server 0.00008.
gnomAD v4.1: 15 of 1,612,802 alleles (0.00093%); highest among the groups gnomAD compares: South Asian, 0.0044%; no homozygotes.

Submission:

GeneDx
Classification: Likely benign. Last evaluated: 2017-06-30. Review status: criteria provided, single submitter. Criteria: GeneDx Variant Classification (06012015). Collection method: clinical testing. Allele origin: germline. Affected: yes.
Comment: This variant is considered likely benign or benign based on one or more of the following criteria: it is a conservative change, it occurs at a poorly conserved position in the protein, it is predicted to be benign by multiple in silico algorithms, and/or has population frequency not consistent with disease.

NM_017882.3(CLN6):c.213C>A (p.Leu71=)

Gene: CLN6 (CLN6 transmembrane ER protein; minus strand). Cytogenetic location: 15q23.
Variant type: single nucleotide variant.
Coding change: c.213C>A on transcript NM_017882.3 (MANE Select); coding-DNA position 213, C replaced by A.
Protein change: p.Leu71=; no amino-acid change (leucine 71 retained).
Molecular consequence: synonymous variant.
Genome position (GRCh38, 1-based): chr15:68,214,374, G>T on the plus strand (C>A on the coding strand, the complement: CLN6 is on the minus strand). VCF-style: chr15-68214374-G-T. GRCh37 (hg19) VCF-style: chr15-68506712-G-T.
Identifiers: ClinVar variation 510626 (VCV000510626.1), dbSNP rs146980624, ClinGen allele CA7630664.
Genomic context (GRCh38, chr15:68,214,374, plus strand): 5'-GACGTTGTAGGCCATGTGGAAGTAGTCCCCAACACTGGGCTTGTTGAGTGGAAACCACTC[G>T]AGAGGGAATACCAGCTGCGGAGCAAATGGAAGAATGGGCTCACCTGGGCACAGCCCCACG-3'
Protein context (NP_060352.1, residues 61-81): GRPIAMLVFP[Leu71=]EWFPLNKPSV